The following is an entry in ClinVar:

NM_005911.6(MAT2A):c.754A>T (p.Ile252Phe)

Genes: GGCX (gamma-glutamyl carboxylase; minus strand), MAT2A (methionine adenosyltransferase 2A; plus strand). Cytogenetic location: 2p11.2.
Variant type: single nucleotide variant.
Coding change: c.754A>T on transcript NM_005911.6 (MANE Select); coding-DNA position 754, A replaced by T.
Protein change: p.Ile252Phe; replaces isoleucine 252 with phenylalanine.
Molecular consequence: missense variant.
Genome position (GRCh38, 1-based): chr2:85,542,359, A>T. VCF-style: chr2-85542359-A-T. GRCh37 (hg19) VCF-style: chr2-85769482-A-T.
Other names: short protein forms I252F.
Identifiers: ClinVar variation 2625407 (VCV002625407.2), dbSNP rs2529632113, ClinGen allele CA347477492.

ClinVar aggregate classification (germline): Uncertain significance (1 of 4 stars; one submission).

Conditions:
Cardiovascular phenotype. Identifiers: MedGen CN230736.

gnomAD v4.1: 1 of 1,614,024 alleles (0.000062%); no homozygotes.

Submission:

Ambry Genetics
Classification: Uncertain significance for Cardiovascular phenotype. Last evaluated: 2023-06-23. Review status: criteria provided, single submitter. Criteria: Ambry Variant Classification Scheme 2023. Collection method: clinical testing. Allele origin: germline.
Comment: The p.I252F variant (also known as c.754A>T), located in coding exon 6 of the MAT2A gene, results from an A to T substitution at nucleotide position 754. The isoleucine at codon 252 is replaced by phenylalanine, an amino acid with highly similar properties. This amino acid position is conserved. In addition, this alteration is predicted to be deleterious by in silico analysis. Since supporting evidence is limited at this time, the clinical significance of this alteration remains unclear.